The following is an entry in ClinVar:

NM_025099.6(CTC1):c.*1807G>T

Gene: CTC1 (CST telomere replication complex component 1; minus strand). Cytogenetic location: 17p13.1.
Variant type: single nucleotide variant.
Coding change: c.*1807G>T on transcript NM_025099.6 (MANE Select); 1807 bases downstream of the stop codon, G replaced by T.
Molecular consequence: 3 prime UTR variant. On other transcripts: non-coding transcript variant (1).
Genome position (GRCh38, 1-based): chr17:8,226,373, C>A on the plus strand (G>T on the coding strand, the complement: CTC1 is on the minus strand). VCF-style: chr17-8226373-C-A. GRCh37 (hg19) VCF-style: chr17-8129691-C-A.
Identifiers: ClinVar variation 326011 (VCV000326011.5), dbSNP rs3027251, ClinGen allele CA10651340.
Genomic context (GRCh38, chr17:8,226,373, plus strand): 5'-CTGCCATAAAGGTTCCTGAAATTCATCTACAAGAATATAGAGCTAGGAACCCGGACCGAG[C>A]TTTTTCAGATCTTTCTAGAACTAATTTGGTAACTCAACTGGCTCTTGCATCACTTGTCCA-3'

ClinVar aggregate classification (germline): Benign (1 of 4 stars; one submission).

Conditions:
Dyskeratosis congenita. Identifiers: Orphanet 1775, MedGen C0265965, MONDO:0015780.

Allele frequency attached by ClinVar (database versions not stated): gnomAD 0.06914; TOPMed 0.07550; 1000 Genomes Project 0.08087; gnomAD exomes 0.50000.
gnomAD v4.1: 11,142 of 152,186 alleles (7.3%); highest among the groups gnomAD compares: African/African-American, 14%; 593 homozygotes.

Submission:

Illumina Laboratory Services, Illumina
Classification: Benign for Dyskeratosis congenita. Last evaluated: 2018-01-13. Review status: criteria provided, single submitter. Criteria: ICSL Variant Classification Criteria 13 December 2019. Collection method: clinical testing. Allele origin: germline.
Comment: This variant was observed in the ICSL laboratory as part of a predisposition screen in an ostensibly healthy population. It had not been previously curated by ICSL or reported in the Human Gene Mutation Database (HGMD: prior to June 1st, 2018), and was therefore a candidate for classification through an automated scoring system. Utilizing variant allele frequency, disease prevalence and penetrance estimates, and inheritance mode, an automated score was calculated to assess if this variant is too frequent to cause the disease. Based on the score and internal cut-off values, a variant classified as benign is not then subjected to further curation. The score for this variant resulted in a classification of benign for this disease.